The following is an entry in ClinVar:

ClinVar aggregate classification (germline): Uncertain significance (1 of 4 stars; one submission).

Submission:

ISCA site 14
Classification: Uncertain significance. Last evaluated: 2011-08-12. Review status: criteria provided, single submitter. Criteria: Kaminsky et al. (Genet Med. 2011). Collection method: clinical testing. Allele origin: maternal. Affected: yes. Observed: 1 variant allele.
Comment: Copy number variation identified through the course of routine clinical cytogenomic testing in postnatal populations. Clinical assertions have been curated as described in Kaminsky et al. 2011.

GRCh38/hg38 1p36.22(chr1:10637036-11293430)x3

Genes: ANGPTL7 (angiopoietin like 7; plus strand), CASZ1 (castor zinc finger 1; minus strand), CIROZ (ciliated left-right organizer protein containing ZP-N domains; minus strand), EXOSC10 (exosome component 10; minus strand), EXOSC10-AS1 (EXOSC10 antisense RNA 1; plus strand) and 40 more. Cytogenetic location: 1p36.22.
Variant type: copy number gain.
Change: copy number 3 (three copies instead of two) of chr1:10,637,036-11,293,430 (656.4 kb, GRCh38 coordinates, 1-based), cytogenetic band 1p36.22.
Identifiers: ClinVar variation 57720 (VCV000057720.1).